The following is an entry in ClinVar:

ClinVar aggregate classification (germline): Benign/Likely benign. Review status: criteria provided, multiple submitters, no conflicts (2 of 4 stars). 3 submissions from 3 submitters: Benign (1); Likely benign (2). Last evaluated 2026-04-27.

Conditions:
Colorectal cancer, susceptibility to, 1. Also called: COLORECTAL ADENOMA AND CANCER, SUSCEPTIBILITY TO; COLORECTAL CANCER, SUSCEPTIBILITY TO, ON CHROMOSOME 9. Identifiers: MedGen C1837315, MONDO:0012132, OMIM 608812.

Allele frequency attached by ClinVar (database versions not stated): gnomAD exomes 0.00002 and 0.00001; TOPMed 0.00002; ExAC 0.00002; gnomAD 0.00002; ESP Exome Variant Server 0.00008.
gnomAD v4.1: 8 of 1,614,086 alleles (0.0005%); highest among the groups gnomAD compares: Admixed American, 0.005%; no homozygotes.

Submissions (3):

Myriad Genetics, Inc.
Classification: Benign for Colorectal cancer, susceptibility to, 1. Last evaluated: 2026-04-27. Review status: criteria provided, single submitter. Criteria: Myriad Autosomal Dominant, Autosomal Recessive and X-Linked Classification Criteria (2023). Collection method: clinical testing. Allele origin: unknown.
Comment: This variant is considered benign. This variant is a silent/synonymous amino acid change and it is not expected to impact splicing.

Labcorp Genetics (formerly Invitae), Labcorp
Classification: Likely benign. Last evaluated: 2025-12-29. Review status: criteria provided, single submitter. Criteria: Invitae Variant Classification Sherloc (09022015). Collection method: clinical testing. Allele origin: germline.

Ambry Genetics
Classification: Likely benign. Last evaluated: 2017-10-09. Review status: criteria provided, single submitter. Criteria: Ambry Variant Classification Scheme 2023. Collection method: clinical testing. Allele origin: germline.

NM_024642.5(GALNT12):c.1623C>T (p.His541=)

Gene: GALNT12 (polypeptide N-acetylgalactosaminyltransferase 12; plus strand). Cytogenetic location: 9q22.33.
Variant type: single nucleotide variant.
Coding change: c.1623C>T on transcript NM_024642.5 (MANE Select); coding-DNA position 1623, C replaced by T.
Protein change: p.His541=; no amino-acid change (histidine 541 retained).
Molecular consequence: synonymous variant.
Genome position (GRCh38, 1-based): chr9:98,848,969, C>T. VCF-style: chr9-98848969-C-T. GRCh37 (hg19) VCF-style: chr9-101611251-C-T.
Identifiers: ClinVar variation 1117116 (VCV001117116.12), dbSNP rs375459562, ClinGen allele CA5154331.